The following is an entry in ClinVar:

ClinVar aggregate classification (germline): Pathogenic/Likely pathogenic. Review status: criteria provided, multiple submitters, no conflicts (2 of 4 stars). 2 submissions from 2 submitters: Pathogenic (1); Likely pathogenic (1). Last evaluated 2023-09-01.

Conditions:
MAK-related disorders.

Submissions (2):

Labcorp Genetics (formerly Invitae), Labcorp
Classification: Pathogenic. Last evaluated: 2023-09-01. Review status: criteria provided, single submitter. Criteria: Invitae Variant Classification Sherloc (09022015). Collection method: clinical testing. Allele origin: germline.
Comment: ClinVar contains an entry for this variant (Variation ID: 1069936). This variant has not been reported in the literature in individuals affected with MAK-related conditions. This variant is not present in population databases (gnomAD no frequency). This sequence change creates a premature translational stop signal (p.Gln301Valfs*4) in the MAK gene. It is expected to result in an absent or disrupted protein product. Loss-of-function variants in MAK are known to be pathogenic (PMID: 21148103, 21825139, 24938718, 29781741). For these reasons, this variant has been classified as Pathogenic.

Blueprint Genetics
Classification: Likely pathogenic for MAK-related disorders. Last evaluated: 2022-06-17. Review status: criteria provided, single submitter. Criteria: ACMG Guidelines, 2015. Collection method: clinical testing. Allele origin: germline. Affected: yes. Observed: 1 variant allele.

Literature cited by the submitters: PubMed 21148103 (cited by Labcorp Genetics (formerly Invitae), Labcorp); PubMed 21825139 (cited by Labcorp Genetics (formerly Invitae), Labcorp); PubMed 24938718 (cited by Labcorp Genetics (formerly Invitae), Labcorp); PubMed 29781741 (cited by Labcorp Genetics (formerly Invitae), Labcorp).

NM_001242957.3(MAK):c.901_902del (p.Gln301fs)

Gene: MAK (male germ cell associated kinase; minus strand). Cytogenetic location: 6p24.2.
Variant type: Deletion.
Coding change: c.901_902del on transcript NM_001242957.3 (MANE Select); coding-DNA positions 901 to 902, 2 bases deleted (CA; older notation c.901_902delCA).
Protein change: p.Gln301fs; shifts the reading frame from glutamine 301.
Molecular consequence: frameshift variant. On other transcripts: non-coding transcript variant (2).
Genome position (GRCh38, 1-based): chr6:10,796,239-10,796,240, TG deleted on the plus strand (CA on the coding strand, the reverse complement: MAK is on the minus strand); deleting any 2 consecutive bases within chr6:10,796,239-10,796,241 gives the same sequence; the c. name uses the placement nearest the transcript's 3' end. VCF-style (leftmost placement, unchanged base first): chr6-10796238-CTG-C. GRCh37 (hg19) VCF-style: chr6-10796471-CTG-C.
Other names: c.901_902del, p.Gln301fs (NM_001242385.2, NM_005906.6); c.799_800del, p.Gln267fs (NM_001377262.1); short protein forms Q267fs, Q301fs.
Identifiers: ClinVar variation 1069936 (VCV001069936.8), dbSNP rs1320050201, ClinGen allele CA816932917.
Genomic context (GRCh38, chr6:10,796,238, plus strand): 5'-AGGCTCTACCTCAACTAAAGATGGCTTTGATTCTAATGGTTGCAGCTGCTTATTTAAAGA[CTG>C]TTTTGATTCCAGATGATTTGACGAAGGGCCTAATACCTGACCAACTTGAAAATATGGGTG-3'